The following is an entry in ClinVar:

NM_020719.3(PRR12):c.1968_1969del (p.Ala658fs)

Gene: PRR12 (proline rich 12; plus strand). Cytogenetic location: 19q13.33.
Variant type: Deletion.
Coding change: c.1968_1969del on transcript NM_020719.3 (MANE Select); coding-DNA positions 1968 to 1969, 2 bases deleted (AG; older notation c.1968_1969delAG).
Protein change: p.Ala658fs; shifts the reading frame from alanine 658.
Molecular consequence: frameshift variant.
Genome position (GRCh38, 1-based): chr19:49,596,303-49,596,304, AG deleted. VCF-style (leftmost placement, unchanged base first): chr19-49596302-CAG-C. GRCh37 (hg19) VCF-style: chr19-50099559-CAG-C.
Other names: short protein forms A658fs.
Identifiers: ClinVar variation 5006016 (VCV005006016.2).

ClinVar aggregate classification (germline): Likely pathogenic (1 of 4 stars; one submission).

Conditions:
Neuroocular syndrome 1 (NOC1). Identifiers: Orphanet 659904, MedGen C5925133, MONDO:0971007, OMIM 619539.

Submission:

Juno Genomics, Hangzhou Juno Genomics, Inc
Classification: Likely pathogenic for Neuroocular syndrome 1. Review status: criteria provided, single submitter. Criteria: ACMG Guidelines, 2015. Collection method: clinical testing. Allele origin: germline.
Comment: Null variant in a gene where loss of function (LOF) is a known mechanism of disease.;Absent from controls (or at extremely low frequency if recessive) in Genome Aggregation Database.